The following is an entry in ClinVar:

NM_178452.6(DNAAF1):c.1832A>C (p.Lys611Thr)

Gene: DNAAF1 (dynein axonemal assembly factor 1; plus strand). Cytogenetic location: 16q24.1.
Variant type: single nucleotide variant.
Coding change: c.1832A>C on transcript NM_178452.6 (MANE Select); coding-DNA position 1832, A replaced by C.
Protein change: p.Lys611Thr; replaces lysine 611 with threonine.
Molecular consequence: missense variant.
Genome position (GRCh38, 1-based): chr16:84,176,066, A>C. VCF-style: chr16-84176066-A-C. GRCh37 (hg19) VCF-style: chr16-84209672-A-C.
Other names: c.1124A>C, p.Lys375Thr (NM_001318756.1); short protein forms K611T, K375T.
Identifiers: ClinVar variation 2851563 (VCV002851563.3), dbSNP rs2507528252, ClinGen allele CA396950705.

ClinVar aggregate classification (germline): Uncertain significance (1 of 4 stars; one submission).

Conditions:
Primary ciliary dyskinesia. Also called: Ciliary dyskinesia. Identifiers: Orphanet 244, MedGen C0008780, MONDO:0016575, HP:0012265.

Submission:

Labcorp Genetics (formerly Invitae), Labcorp
Classification: Uncertain significance for Primary ciliary dyskinesia. Last evaluated: 2023-04-09. Review status: criteria provided, single submitter. Criteria: Invitae Variant Classification Sherloc (09022015). Collection method: clinical testing. Allele origin: germline.
Comment: An algorithm developed to predict the effect of missense changes on protein structure and function (PolyPhen-2) suggests that this variant is likely to be disruptive. This variant has not been reported in the literature in individuals affected with DNAAF1-related conditions. This variant is not present in population databases (gnomAD no frequency). This sequence change replaces lysine, which is basic and polar, with threonine, which is neutral and polar, at codon 611 of the DNAAF1 protein (p.Lys611Thr). Algorithms developed to predict the effect of sequence changes on RNA splicing suggest that this variant may create or strengthen a splice site. In summary, the available evidence is currently insufficient to determine the role of this variant in disease. Therefore, it has been classified as a Variant of Uncertain Significance.